The following is an entry in ClinVar:

ClinVar aggregate classification (germline): Likely benign (0 of 4 stars; one submission).

Conditions:
RELN-related disorder. Also called: RELN-related condition.

Submission:

PreventionGenetics, part of Exact Sciences
Classification: Likely benign for RELN-related condition. Last evaluated: 2023-09-03. Review status: no assertion criteria provided. Collection method: clinical testing. Allele origin: germline.
Comment: This variant is classified as likely benign based on ACMG/AMP sequence variant interpretation guidelines (Richards et al. 2015 PMID: 25741868, with internal and published modifications).

NM_005045.4(RELN):c.5211-26G>T

Gene: RELN (reelin; minus strand). Cytogenetic location: 7q22.1.
Variant type: single nucleotide variant.
Coding change: c.5211-26G>T on transcript NM_005045.4 (MANE Select); 26 bases into the intron before coding-DNA position 5211, G replaced by T.
Molecular consequence: intron variant.
Genome position (GRCh38, 1-based): chr7:103,561,979, C>A on the plus strand (G>T on the coding strand, the complement: RELN is on the minus strand). VCF-style: chr7-103561979-C-A. GRCh37 (hg19) VCF-style: chr7-103202426-C-A.
Other names: c.5211-26G>T (NM_173054.3).
Identifiers: ClinVar variation 3052755 (VCV003052755.2), dbSNP rs78050193, ClinGen allele CA163910993.
Genomic context (GRCh38, chr7:103,561,979, plus strand): 5'-TGGCCTGAATCCATCTGAACCGGGTCCTGGGAGAACTAACCAAAAAAAAAAAAAAAAAAA[C>A]ACACCACTGGTTTGACAAGCAACCTTGAAAGCACAAGGACATTTATTTTAATTCCCTTTT-3'